The following is an entry in ClinVar:

ClinVar aggregate classification (germline): Uncertain significance. Review status: criteria provided, multiple submitters, no conflicts (2 of 4 stars). 2 submissions from 2 submitters: Uncertain significance (2). Last evaluated 2025-09-08.

Conditions:
Hereditary cancer-predisposing syndrome. Also called: Neoplastic Syndromes, Hereditary; Hereditary Cancer Syndrome; Tumor predisposition; Hereditary neoplastic syndrome. Identifiers: Orphanet 140162, MedGen C0027672, MeSH D009386, MONDO:0015356.

gnomAD v4.1: 5 of 1,613,954 alleles (0.00031%); highest among the groups gnomAD compares: Non-Finnish European, 0.00034%; no homozygotes.

Submissions (2):

Ambry Genetics
Classification: Uncertain significance for Hereditary cancer-predisposing syndrome. Last evaluated: 2025-09-08. Review status: criteria provided, single submitter. Criteria: Ambry Variant Classification Scheme 2023. Collection method: clinical testing. Allele origin: germline.
Comment: The p.S554R variant (also known as c.1662C>A), located in coding exon 15 of the POLE gene, results from a C to A substitution at nucleotide position 1662. The serine at codon 554 is replaced by arginine, an amino acid with dissimilar properties. This amino acid position is highly conserved in available vertebrate species. In addition, the in silico prediction for this alteration is inconclusive. Based on the available evidence, the clinical significance of this variant remains unclear.

Labcorp Genetics (formerly Invitae), Labcorp
Classification: Uncertain significance. Last evaluated: 2024-12-17. Review status: criteria provided, single submitter. Criteria: Invitae Variant Classification Sherloc (09022015). Collection method: clinical testing. Allele origin: germline.
Comment: This sequence change replaces serine, which is neutral and polar, with arginine, which is basic and polar, at codon 554 of the POLE protein (p.Ser554Arg). The frequency data for this variant in the population databases is considered unreliable, as metrics indicate poor data quality at this position in the gnomAD database. This variant has not been reported in the literature in individuals affected with POLE-related conditions. ClinVar contains an entry for this variant (Variation ID: 944903). Invitae Evidence Modeling of protein sequence and biophysical properties (such as structural, functional, and spatial information, amino acid conservation, physicochemical variation, residue mobility, and thermodynamic stability) indicates that this missense variant is not expected to disrupt POLE protein function with a negative predictive value of 80%. In summary, the available evidence is currently insufficient to determine the role of this variant in disease. Therefore, it has been classified as a Variant of Uncertain Significance.

NM_006231.4(POLE):c.1662C>A (p.Ser554Arg)

Gene: POLE (DNA polymerase epsilon, catalytic subunit; minus strand). Cytogenetic location: 12q24.33.
Variant type: single nucleotide variant.
Coding change: c.1662C>A on transcript NM_006231.4 (MANE Select); coding-DNA position 1662, C replaced by A.
Protein change: p.Ser554Arg; replaces serine 554 with arginine.
Molecular consequence: missense variant.
Genome position (GRCh38, 1-based): chr12:132,672,651, G>T on the plus strand (C>A on the coding strand, the complement: POLE is on the minus strand). VCF-style: chr12-132672651-G-T. GRCh37 (hg19) VCF-style: chr12-133249237-G-T.
Other names: c.1662C>A (NM_006231.2); short protein forms S554R.
Identifiers: ClinVar variation 944903 (VCV000944903.10), dbSNP rs752219944, ClinGen allele CA6893891.